The following is an entry in ClinVar:

NM_018671.5(UNC45A):c.1693G>T (p.Val565Leu)

Gene: UNC45A (unc-45 myosin chaperone A; plus strand). Cytogenetic location: 15q26.1.
Variant type: single nucleotide variant.
Coding change: c.1693G>T on transcript NM_018671.5 (MANE Select); coding-DNA position 1693, G replaced by T.
Protein change: p.Val565Leu; replaces valine 565 with leucine.
Molecular consequence: missense variant.
Genome position (GRCh38, 1-based): chr15:90,948,239, G>T. VCF-style: chr15-90948239-G-T. GRCh37 (hg19) VCF-style: chr15-91491469-G-T.
Other names: c.1648G>T, p.Val550Leu (NM_001039675.2, NM_001323621.2); c.1693G>T, p.Val565Leu (NM_001323619.1); c.1258G>T, p.Val420Leu (NM_001323620.2); short protein forms V420L, V550L, V565L.
Identifiers: ClinVar variation 2135380 (VCV002135380.4), dbSNP rs2036683232, ClinGen allele CA393857856.

ClinVar aggregate classification (germline): Uncertain significance (1 of 4 stars; one submission).

Allele frequency attached by ClinVar (database versions not stated): TOPMed below 0.00001.

Submission:

Labcorp Genetics (formerly Invitae), Labcorp
Classification: Uncertain significance. Last evaluated: 2023-12-11. Review status: criteria provided, single submitter. Criteria: Invitae Variant Classification Sherloc (09022015). Collection method: clinical testing. Allele origin: germline.
Comment: This sequence change replaces valine, which is neutral and non-polar, with leucine, which is neutral and non-polar, at codon 565 of the UNC45A protein (p.Val565Leu). This variant is not present in population databases (gnomAD no frequency). This variant has not been reported in the literature in individuals affected with UNC45A-related conditions. ClinVar contains an entry for this variant (Variation ID: 2135380). Advanced modeling of protein sequence and biophysical properties (such as structural, functional, and spatial information, amino acid conservation, physicochemical variation, residue mobility, and thermodynamic stability) performed at Invitae indicates that this missense variant is not expected to disrupt UNC45A protein function with a negative predictive value of 80%. In summary, the available evidence is currently insufficient to determine the role of this variant in disease. Therefore, it has been classified as a Variant of Uncertain Significance.